The following is an entry in ClinVar:

NM_000138.5(FBN1):c.2354C>A (p.Pro785His)

Gene: FBN1 (fibrillin 1; minus strand). Cytogenetic location: 15q21.1.
Variant type: single nucleotide variant.
Coding change: c.2354C>A on transcript NM_000138.5 (MANE Select); coding-DNA position 2354, C replaced by A.
Protein change: p.Pro785His; replaces proline 785 with histidine.
Molecular consequence: missense variant.
Genome position (GRCh38, 1-based): chr15:48,496,165, G>T on the plus strand (C>A on the coding strand, the complement: FBN1 is on the minus strand). VCF-style: chr15-48496165-G-T. GRCh37 (hg19) VCF-style: chr15-48788362-G-T.
Other names: short protein forms P785H.
Identifiers: ClinVar variation 1526275 (VCV001526275.3), dbSNP rs956678986, ClinGen allele CA269539202.

ClinVar aggregate classification (germline): Likely pathogenic (1 of 4 stars; one submission).

Conditions:
Marfan syndrome (MFS). Also called: MARFAN SYNDROME, TYPE I; Marfan syndrome type 1; Marfan's syndrome; Marfan syndrome, classic; FBN1-Related Marfan Syndrome. Identifiers: Orphanet 284963, Orphanet 558, MedGen C0024796, MONDO:0007947, OMIM 154700.

Submission:

Dasa
Classification: Likely pathogenic for Marfan syndrome. Last evaluated: 2022-03-25. Review status: criteria provided, single submitter. Criteria: ACMG Guidelines, 2015. Collection method: clinical testing. Allele origin: germline. Affected: yes. Observed: 1 variant allele.
Comment: The variant is located in a mutational hot spot and/or critical and well-established functional domain (EGF_CA; cEGF) - PM1. This variant is not present in population databases (rs956678986- gnomAD; ABraOM no frequency.) - PM2. Missense variant in FBN1 that has a low rate of benign missense variation and in which missense variants are a common mechanism of disease - PP2. Multiple lines of computational evidence support a deleterious effect on the gene or gene product - PP3. In summary, the currently available evidence indicates that the variant is likely pathogenic